The following is an entry in ClinVar:

ClinVar aggregate classification (germline): Likely pathogenic (1 of 4 stars; one submission).

Conditions:
Spongy degeneration of central nervous system. Also called: ACY2 DEFICIENCY; AMINOACYLASE 2 DEFICIENCY; ASP DEFICIENCY; ASPA DEFICIENCY; ASPARTOACYLASE DEFICIENCY; CANAVAN-VAN BOGAERT-BERTRAND DISEASE. Identifiers: Orphanet 141, MedGen C0206307, MONDO:0010079, OMIM 271900.

gnomAD v4.1: 2 of 1,614,024 alleles (0.00012%); highest among the groups gnomAD compares: Non-Finnish European, 0.00017%; no homozygotes.

Submission:

Natera, Inc.
Classification: Likely pathogenic for Canavan Disease. Last evaluated: 2024-09-30. Review status: criteria provided, single submitter. Criteria: Natera Variant Classification Schema (03/2026). Collection method: clinical testing. Allele origin: germline.
Comment: The c.857C>A variant in ASPA is a missense variant predicted to cause substitution of alanine to aspartic acid at amino acid 286. This variant is rare in the general population with a frequency below the threshold expected for the associated phenotype(s). This variant has been observed in one or more individuals affected with the associated recessive disease, as either homozygous or compound heterozygous with a second variant (PMID: 28101991, 39119446). Functional studies show that this variant may disrupt protein function (PMID: 28101991). Computational prediction algorithms indicate this variant is likely to affect gene or protein function. Given the available evidence, this variant is classified as Likely Pathogenic.

Literature cited by the submitters: PubMed 28101991; PubMed 39119446.

NM_000049.4(ASPA):c.857C>A (p.Ala286Asp)

Genes: ASPA (aspartoacylase; plus strand), SPATA22 (spermatogenesis associated 22; minus strand). Cytogenetic location: 17p13.2.
Variant type: single nucleotide variant.
Coding change: c.857C>A on transcript NM_000049.4 (MANE Select); coding-DNA position 857, C replaced by A.
Protein change: p.Ala286Asp; replaces alanine 286 with aspartic acid.
Molecular consequence: missense variant. On other transcripts: intron variant (2).
Genome position (GRCh38, 1-based): chr17:3,499,003, C>A. VCF-style: chr17-3499003-C-A. GRCh37 (hg19) VCF-style: chr17-3402297-C-A.
Other names: c.857C>A, p.Ala286Asp (NM_001128085.1); c.-74+14409G>T (NM_001321336.2, NM_001321337.2); short protein forms A286D.
Identifiers: ClinVar variation 4818522 (VCV004818522.1).